The following is an entry in ClinVar:

ClinVar aggregate classification (germline): Benign/Likely benign. Review status: criteria provided, multiple submitters, no conflicts (2 of 4 stars). 3 submissions from 3 submitters: Benign (2); Likely benign (1). Last evaluated 2025-06-01.

Allele frequency attached by ClinVar (database versions not stated): 1000 Genomes Project 0.00439; 1000 Genomes Project 30x 0.00500; gnomAD exomes 0.00575 and 0.00797; ExAC 0.00599; gnomAD 0.00612 and 0.00618; ESP Exome Variant Server 0.00652; TOPMed 0.00660.
gnomAD v4.1: 11,602 of 1,499,650 alleles (0.77%); highest among the groups gnomAD compares: Non-Finnish European, 0.93%; 75 homozygotes.

Submissions (3):

CeGaT Center for Human Genetics Tuebingen
Classification: Likely benign. Last evaluated: 2025-06-01. Review status: criteria provided, single submitter. Criteria: CeGaT Center For Human Genetics Tuebingen Variant Classification Criteria Version 2. Collection method: clinical testing. Allele origin: germline. Affected: yes. Observed: 1 variant allele.
Comment: ICE1: BP4, BS2

Labcorp Genetics (formerly Invitae), Labcorp
Classification: Benign. Last evaluated: 2018-07-31. Review status: criteria provided, single submitter. Criteria: Invitae Variant Classification Sherloc (09022015). Collection method: clinical testing. Allele origin: germline.

Breakthrough Genomics
Classification: Benign. Review status: criteria provided, single submitter. Criteria: ACMG Guidelines, 2015. Collection method: not provided. Allele origin: germline. Inheritance: Unknown mechanism. Affected: yes.

NM_015325.3(ICE1):c.198-3T>C

Gene: ICE1 (interactor of little elongation complex ELL subunit 1; plus strand). Cytogenetic location: 5p15.32.
Variant type: single nucleotide variant.
Coding change: c.198-3T>C on transcript NM_015325.3 (MANE Select); 3 bases into the intron before coding-DNA position 198, T replaced by C.
Molecular consequence: intron variant.
Genome position (GRCh38, 1-based): chr5:5,441,109, T>C. VCF-style: chr5-5441109-T-C. GRCh37 (hg19) VCF-style: chr5-5441222-T-C.
Identifiers: ClinVar variation 771708 (VCV000771708.12), dbSNP rs72646674, ClinGen allele CA3190531.
Genomic context (GRCh38, chr5:5,441,109, plus strand): 5'-CACATATATTTAATACTTCGTTATAGATCCTTTTCTGTAATAATGTTAATTCATTGTCTT[T>C]AGAGAGAATAGTAATCTGCATCACCAAGTGGAAGAGATGCTTCAAAAAATTTCTCCTCTA-3'